The following is an entry in ClinVar:

ClinVar aggregate classification (germline): Uncertain significance (1 of 4 stars; one submission).

Submission:

Labcorp Genetics (formerly Invitae), Labcorp
Classification: Uncertain significance. Last evaluated: 2022-06-29. Review status: criteria provided, single submitter. Criteria: Invitae Variant Classification Sherloc (09022015). Collection method: clinical testing. Allele origin: germline.
Comment: In summary, the available evidence is currently insufficient to determine the role of this variant in disease. Therefore, it has been classified as a Variant of Uncertain Significance. Algorithms developed to predict the effect of missense changes on protein structure and function (SIFT, PolyPhen-2, Align-GVGD) all suggest that this variant is likely to be tolerated. This variant has not been reported in the literature in individuals affected with POLE-related conditions. This variant is not present in population databases (gnomAD no frequency). This sequence change replaces threonine, which is neutral and polar, with asparagine, which is neutral and polar, at codon 1563 of the POLE protein (p.Thr1563Asn).

NM_006231.4(POLE):c.4688C>A (p.Thr1563Asn)

Gene: POLE (DNA polymerase epsilon, catalytic subunit; minus strand). Cytogenetic location: 12q24.33.
Variant type: single nucleotide variant.
Coding change: c.4688C>A on transcript NM_006231.4 (MANE Select); coding-DNA position 4688, C replaced by A.
Protein change: p.Thr1563Asn; replaces threonine 1563 with asparagine.
Molecular consequence: missense variant.
Genome position (GRCh38, 1-based): chr12:132,642,860, G>T on the plus strand (C>A on the coding strand, the complement: POLE is on the minus strand). VCF-style: chr12-132642860-G-T. GRCh37 (hg19) VCF-style: chr12-133219446-G-T.
Other names: short protein forms T1563N.
Identifiers: ClinVar variation 2012043 (VCV002012043.4), dbSNP rs2138539504, ClinGen allele CA387378791.